The following is an entry in ClinVar:

NM_000088.4(COL1A1):c.1846G>A (p.Ala616Thr)

Gene: COL1A1 (collagen type I alpha 1 chain; minus strand). Cytogenetic location: 17q21.33.
Variant type: single nucleotide variant.
Coding change: c.1846G>A on transcript NM_000088.4 (MANE Select); coding-DNA position 1846, G replaced by A.
Protein change: p.Ala616Thr; replaces alanine 616 with threonine.
Molecular consequence: missense variant.
Genome position (GRCh38, 1-based): chr17:50,192,826, C>T on the plus strand (G>A on the coding strand, the complement: COL1A1 is on the minus strand). VCF-style: chr17-50192826-C-T. GRCh37 (hg19) VCF-style: chr17-48270187-C-T.
Other names: short protein forms A616T.
Identifiers: ClinVar variation 2701710 (VCV002701710.5), dbSNP rs747991551, ClinGen allele CA8645060.

ClinVar aggregate classification (germline): Conflicting classifications of pathogenicity. Review status: criteria provided, conflicting classifications (1 of 4 stars). 2 submissions from 2 submitters: Uncertain significance (1); Likely benign (1). Last evaluated 2026-09-12.

Conditions:
Osteogenesis imperfecta type I (OI1). Also called: OI, TYPE I; OSTEOGENESIS IMPERFECTA TARDA; OSTEOGENESIS IMPERFECTA WITH BLUE SCLERAE; Osteogenesis imperfecta type 1; Lobstein's Disease; Lobstein disease. Identifiers: Orphanet 216796, Orphanet 666, MedGen C0023931, MONDO:0008146, OMIM 166200. Disease mechanism: loss of function.
Cardiovascular phenotype. Identifiers: MedGen CN230736.

Allele frequency attached by ClinVar (database versions not stated): TOPMed 0.00001; ExAC 0.00001; gnomAD 0.00001.

Submissions (2):

Ambry Genetics
Classification: Uncertain significance for Cardiovascular phenotype. Last evaluated: 2026-09-12. Review status: criteria provided, single submitter. Criteria: Ambry Variant Classification Scheme 2023. Collection method: clinical testing. Allele origin: germline.
Comment: The p.A616T variant (also known as c.1846G>A), located in coding exon 27 of the COL1A1 gene, results from a G to A substitution at nucleotide position 1846. The alanine at codon 616 is replaced by threonine, an amino acid with similar properties. This amino acid position is conserved. In addition, this alteration is predicted to be tolerated by in silico analysis. Based on the available evidence, the clinical significance of this variant remains unclear.

Labcorp Genetics (formerly Invitae), Labcorp
Classification: Likely benign for Osteogenesis imperfecta type I. Last evaluated: 2025-03-31. Review status: criteria provided, single submitter. Criteria: Invitae Variant Classification Sherloc (09022015). Collection method: clinical testing. Allele origin: germline.